The following is an entry in ClinVar:

ClinVar aggregate classification (germline): Conflicting classifications of pathogenicity. Review status: criteria provided, conflicting classifications (1 of 4 stars). 3 submissions from 3 submitters: Uncertain significance (2); Likely benign (1). Last evaluated 2025-01-24.

Conditions:
Inborn genetic diseases. Identifiers: MedGen C0950123, MeSH D030342.
Autosomal dominant childhood-onset proximal spinal muscular atrophy with contractures (SMALED2A). Also called: SPINAL MUSCULAR ATROPHY, LOWER EXTREMITY-PREDOMINANT, 2A, CHILDHOOD ONSET, AUTOSOMAL DOMINANT; Spinal muscular atrophy, lower extremity-predominant, 2A, autosomal dominant. Identifiers: Orphanet 363447, Orphanet 363454, MedGen C4747715, MONDO:0014121, OMIM 615290.

Allele frequency attached by ClinVar (database versions not stated): gnomAD exomes 0.00001.
gnomAD v4.1: 4 of 1,573,226 alleles (0.00025%); highest among the groups gnomAD compares: East Asian, 0.007%; no homozygotes.

Submissions (3):

Ambry Genetics
Classification: Uncertain significance for Inborn genetic diseases. Last evaluated: 2025-01-24. Review status: criteria provided, single submitter. Criteria: Ambry Variant Classification Scheme 2023. Collection method: clinical testing. Allele origin: germline.

Labcorp Genetics (formerly Invitae), Labcorp
Classification: Likely benign for Autosomal dominant childhood-onset proximal spinal muscular atrophy with contractures. Last evaluated: 2022-03-14. Review status: criteria provided, single submitter. Criteria: Invitae Variant Classification Sherloc (09022015). Collection method: clinical testing. Allele origin: germline.

GeneDx
Classification: Uncertain significance. Last evaluated: 2020-06-25. Review status: criteria provided, single submitter. Criteria: GeneDx Variant Classification Process June 2021. Collection method: clinical testing. Allele origin: germline. Affected: yes.
Comment: Missense variants in this gene are often considered pathogenic (Stenson et al., 2014); In silico analysis supports that this missense variant does not alter protein structure/function; Has not been previously published as pathogenic or benign to our knowledge

NM_001003800.2(BICD2):c.162G>C (p.Lys54Asn)

Gene: BICD2 (BICD cargo adaptor 2; minus strand). Cytogenetic location: 9q22.31.
Variant type: single nucleotide variant.
Coding change: c.162G>C on transcript NM_001003800.2 (MANE Select); coding-DNA position 162, G replaced by C.
Protein change: p.Lys54Asn; replaces lysine 54 with asparagine.
Molecular consequence: missense variant.
Genome position (GRCh38, 1-based): chr9:92,764,583, C>G on the plus strand (G>C on the coding strand, the complement: BICD2 is on the minus strand). VCF-style: chr9-92764583-C-G. GRCh37 (hg19) VCF-style: chr9-95526865-C-G.
Other names: c.162G>C, p.Lys54Asn (NM_015250.4); short protein forms K54N.
Identifiers: ClinVar variation 1312806 (VCV001312806.7), dbSNP rs779949554, ClinGen allele CA5126873.